The following is an entry in ClinVar:

ClinVar aggregate classification (germline): Pathogenic (1 of 4 stars; one submission).

Conditions:
Hereditary cancer-predisposing syndrome. Also called: Hereditary Cancer Syndrome; Neoplastic Syndromes, Hereditary; Tumor predisposition; Hereditary neoplastic syndrome. Identifiers: Orphanet 140162, MedGen C0027672, MeSH D009386, MONDO:0015356.

Submission:

Ambry Genetics
Classification: Pathogenic for Hereditary cancer-predisposing syndrome. Last evaluated: 2025-11-11. Review status: criteria provided, single submitter. Criteria: Ambry Variant Classification Scheme 2023. Collection method: clinical testing. Allele origin: germline.
Comment: The c.5117delG pathogenic mutation, located in coding exon 16 of the BRCA1 gene, results from a deletion of one nucleotide at nucleotide position 5117, causing a translational frameshift with a predicted alternate stop codon (p.G1706Efs*8). Of note, this alteration is also designated as 5236delG in the published literature. This variant is considered to be rare based on population cohorts in the Genome Aggregation Database (gnomAD). This alteration is expected to result in loss of function by premature protein truncation or nonsense-mediated mRNA decay. As such, this alteration is interpreted as a disease-causing mutation.

Literature cited by the submitters: PubMed 29486991.

NM_007294.4(BRCA1):c.5117del (p.Gly1706fs)

Gene: BRCA1 (BRCA1 DNA repair associated; minus strand). Cytogenetic location: 17q21.31.
Variant type: Deletion.
Coding change: c.5117del on transcript NM_007294.4 (MANE Select); coding-DNA position 5117, one base deleted (G; older notation c.5117delG).
Protein change: p.Gly1706fs; shifts the reading frame from glycine 1706.
Molecular consequence: frameshift variant. On other transcripts: non-coding transcript variant (1).
Genome position (GRCh38, 1-based): chr17:43,063,909, C deleted on the plus strand (G on the coding strand, the reverse complement: BRCA1 is on the minus strand); the first of 2 consecutive C bases (chr17:43,063,909-43,063,910); deleting either gives the same sequence. VCF-style (leftmost placement, unchanged base first): chr17-43063908-TC-T. GRCh37 (hg19) VCF-style: chr17-41215925-TC-T.
Other names: c.1690delG, p.Gly564Glufs (NM_001408420.1, NM_001408418.1, NM_001408419.1); c.1687delG, p.Gly563Glufs (NM_001408422.1, NM_001408423.1, NM_001408421.1 and 1 more transcripts); c.1684delG, p.Gly562Glufs (NM_001408425.1, NM_001408426.1, NM_001408427.1 and 4 more transcripts); c.4993delG, p.Gly1665Glufs (NM_001407664.1, NM_001407665.1, NM_001407666.1 and 6 more transcripts); c.4990delG, p.Gly1664Glufs (NM_001407670.1, NM_001407671.1, NM_001407672.1 and 10 more transcripts); c.4987delG, p.Gly1663Glufs (NM_001407681.1, NM_001407682.1, NM_001407683.1 and 6 more transcripts); c.5116delG, p.Gly1706Glufs (NM_001407684.1, NM_001407854.1, NM_001407593.1 and 7 more transcripts); c.4984delG, p.Gly1662Glufs (NM_001407690.1, NM_001407691.1); and 75 more; short protein forms G1706fs, G602fs, G1659fs, G1727fs.
Identifiers: ClinVar variation 1745441 (VCV001745441.4), dbSNP rs2549524360, ClinGen allele CA2580093952.